The following is an entry in ClinVar:

NM_000138.5(FBN1):c.1053G>A (p.Gln351=)

Genes: FBN1 (fibrillin 1; minus strand), LOC113939944 (Sharpr-MPRA regulatory region 9539; plus strand). Cytogenetic location: 15q21.1.
Variant type: single nucleotide variant.
Coding change: c.1053G>A on transcript NM_000138.5 (MANE Select); coding-DNA position 1053, G replaced by A.
Protein change: p.Gln351=; no amino-acid change (glutamine 351 retained).
Molecular consequence: synonymous variant.
Genome position (GRCh38, 1-based): chr15:48,520,753, C>T on the plus strand (G>A on the coding strand, the complement: FBN1 is on the minus strand). VCF-style: chr15-48520753-C-T. GRCh37 (hg19) VCF-style: chr15-48812950-C-T.
Other names: c.1053G>A, p.Gln351= (NM_001406716.1).
Identifiers: ClinVar variation 3042479 (VCV003042479.3), dbSNP rs2505629132, ClinGen allele CA490028513.

ClinVar aggregate classification (germline): Likely benign. Review status: criteria provided, single submitter (1 of 4 stars). 2 submissions from 2 submitters: Likely benign (1). 1 of the submissions does not count toward it. Last evaluated 2026-04-30.

Conditions:
Familial thoracic aortic aneurysm and aortic dissection (TAAD). Also called: Thoracic aortic aneurysms and dissections. Identifiers: Orphanet 91387, MedGen C4707243, MONDO:0019625.
FBN1-related disorder. Also called: FBN1-related disorders.

Submissions (2):

Ambry Genetics
Classification: Likely benign for Familial thoracic aortic aneurysm and aortic dissection. Last evaluated: 2026-04-30. Review status: criteria provided, single submitter. Criteria: Ambry Variant Classification Scheme 2023. Collection method: clinical testing. Allele origin: germline.

PreventionGenetics, part of Exact Sciences
Classification: Likely benign for FBN1-related condition. Last evaluated: 2019-07-01. Review status: no assertion criteria provided. Collection method: clinical testing. Allele origin: germline. Not counted in ClinVar's aggregate classification.
Comment: This variant is classified as likely benign based on ACMG/AMP sequence variant interpretation guidelines (Richards et al. 2015 PMID: 25741868, with internal and published modifications).